The following is an entry in ClinVar:

ClinVar aggregate classification (germline): Uncertain significance (1 of 4 stars; one submission).

Conditions:
Walker-Warburg congenital muscular dystrophy. Also called: Muscular dystrophy-dystroglycanopathy, type A; Walker-Warburg syndrome. Identifiers: Orphanet 899, MedGen C0265221, MONDO:0000171.

Submission:

Labcorp Genetics (formerly Invitae), Labcorp
Classification: Uncertain significance for Walker-Warburg congenital muscular dystrophy. Last evaluated: 2022-07-18. Review status: criteria provided, single submitter. Criteria: Invitae Variant Classification Sherloc (09022015). Collection method: clinical testing. Allele origin: germline.
Comment: In summary, the available evidence is currently insufficient to determine the role of this variant in disease. Therefore, it has been classified as a Variant of Uncertain Significance. Algorithms developed to predict the effect of missense changes on protein structure and function are either unavailable or do not agree on the potential impact of this missense change (SIFT: "Deleterious"; PolyPhen-2: "Probably Damaging"; Align-GVGD: "Class C0"). ClinVar contains an entry for this variant (Variation ID: 1062341). This variant has not been reported in the literature in individuals affected with FKRP-related conditions. This variant is not present in population databases (gnomAD no frequency). This sequence change replaces phenylalanine, which is neutral and non-polar, with leucine, which is neutral and non-polar, at codon 454 of the FKRP protein (p.Phe454Leu).

NM_024301.5(FKRP):c.1360T>C (p.Phe454Leu)

Gene: FKRP (fukutin related protein; plus strand). Cytogenetic location: 19q13.32.
Variant type: single nucleotide variant.
Coding change: c.1360T>C on transcript NM_024301.5 (MANE Select); coding-DNA position 1360, T replaced by C.
Protein change: p.Phe454Leu; replaces phenylalanine 454 with leucine.
Molecular consequence: missense variant.
Genome position (GRCh38, 1-based): chr19:46,756,810, T>C. VCF-style: chr19-46756810-T-C. GRCh37 (hg19) VCF-style: chr19-47260067-T-C.
Other names: c.1360T>C, p.Phe454Leu (NM_001039885.3); short protein forms F454L.
Identifiers: ClinVar variation 1062341 (VCV001062341.9), dbSNP rs2122636001, ClinGen allele CA406497208.
Genomic context (GRCh38, chr19:46,756,810, plus strand): 5'-GACCACCGGCAGGATGTGGAGTTTCCCGAGCACTTCCTGCAGCCGCTGGTGCCCCTGCCC[T>C]TTGCCGGCTTCGTGGCGCAGGCGCCTAACAACTACCGCCGCTTCCTGGAGCTCAAGTTCG-3'
Protein context (NP_077277.1, residues 444-464): HFLQPLVPLP[Phe454Leu]AGFVAQAPNN